The following is an entry in ClinVar:

NM_001160372.4(TRAPPC9):c.367G>T (p.Glu123Ter)

Gene: TRAPPC9 (trafficking protein particle complex subunit 9; minus strand). Cytogenetic location: 8q24.3.
Variant type: single nucleotide variant.
Coding change: c.367G>T on transcript NM_001160372.4 (MANE Select); coding-DNA position 367, G replaced by T.
Protein change: p.Glu123Ter; replaces glutamic acid 123 with a stop codon.
Molecular consequence: nonsense. On other transcripts: non-coding transcript variant (1).
Genome position (GRCh38, 1-based): chr8:140,451,007, C>A on the plus strand (G>T on the coding strand, the complement: TRAPPC9 is on the minus strand). VCF-style: chr8-140451007-C-A. GRCh37 (hg19) VCF-style: chr8-141461106-C-A.
Other names: c.367G>T, p.Glu123Ter (NM_001321646.2, NM_001374682.1, NM_001374683.1 and 2 more transcripts); short protein forms E123*.
Identifiers: ClinVar variation 130637 (VCV000130637.15), dbSNP rs587780486, ClinGen allele CA155797.

ClinVar aggregate classification (germline): Pathogenic. Review status: criteria provided, multiple submitters, no conflicts (2 of 4 stars). 4 submissions from 4 submitters: Pathogenic (4). Last evaluated 2024-10-24.

Conditions:
Inborn genetic diseases. Identifiers: MedGen C0950123, MeSH D030342.
Intellectual developmental disorder, autosomal recessive 13. Also called: Intellectual disability, autosomal recessive 13. Identifiers: Orphanet 88616, MedGen C2750791, MONDO:0013173, OMIM 613192.

Allele frequency attached by ClinVar (database versions not stated): gnomAD 0.00001; TOPMed 0.00001; gnomAD exomes 0.00002 and 0.00003.
gnomAD v4.1: 40 of 1,613,972 alleles (0.0025%); highest among the groups gnomAD compares: Non-Finnish European, 0.0033%; no homozygotes.

Submissions (4):

GeneDx
Classification: Pathogenic. Last evaluated: 2024-10-24. Review status: criteria provided, single submitter. Criteria: GeneDx Variant Classification Process June 2021. Collection method: clinical testing. Allele origin: germline. Affected: yes.
Comment: Nonsense variant predicted to result in protein truncation or nonsense mediated decay in a gene for which loss of function is a known mechanism of disease; Not observed at significant frequency in large population cohorts (gnomAD); Has not been previously published as pathogenic or benign to our knowledge

Labcorp Genetics (formerly Invitae), Labcorp
Classification: Pathogenic. Last evaluated: 2023-06-14. Review status: criteria provided, single submitter. Criteria: Invitae Variant Classification Sherloc (09022015). Collection method: clinical testing. Allele origin: germline.
Comment: This sequence change creates a premature translational stop signal (p.Glu221*) in the TRAPPC9 gene. It is expected to result in an absent or disrupted protein product. Loss-of-function variants in TRAPPC9 are known to be pathogenic (PMID: 2000476, 20004763, 20004764). This variant is present in population databases (rs587780486, gnomAD 0.006%). This variant has not been reported in the literature in individuals affected with TRAPPC9-related conditions. ClinVar contains an entry for this variant (Variation ID: 130637). For these reasons, this variant has been classified as Pathogenic.

Ambry Genetics
Classification: Pathogenic for Inborn genetic diseases. Last evaluated: 2021-12-22. Review status: criteria provided, single submitter. Criteria: Ambry Variant Classification Scheme 2023. Collection method: clinical testing. Allele origin: germline.
Comment: The c.661G>T (p.E221*) alteration, located in exon 2 (coding exon 2) of the TRAPPC9 gene, consists of a G to T substitution at nucleotide position 661. This changes the amino acid from a glutamic acid (E) to a stop codon at amino acid position 221. This alteration is expected to result in loss of function by premature protein truncation or nonsense-mediated mRNA decay. Based on data from gnomAD, the T allele has an overall frequency of 0.002475% (7/282804) total alleles studied. The highest observed frequency was 0.005420% (7/129142) of European (non-Finnish) alleles. Based on the available evidence, this alteration is classified as pathogenic.

Genetic Services Laboratory, University of Chicago
Classification: Pathogenic for Mental retardation, autosomal recessive 13. Last evaluated: 2014-03-17. Review status: criteria provided, single submitter. Criteria: ACMG Guidelines, 2007. Collection method: clinical testing. Allele origin: germline. Inheritance: Autosomal recessive inheritance. Affected: yes.

Literature cited by the submitters: PubMed 2000476 (cited by Labcorp Genetics (formerly Invitae), Labcorp); PubMed 20004763 (cited by Labcorp Genetics (formerly Invitae), Labcorp); PubMed 20004764 (cited by Labcorp Genetics (formerly Invitae), Labcorp).